The following is an entry in ClinVar:

NM_015425.6(POLR1A):c.1991A>G (p.Lys664Arg)

Gene: POLR1A (RNA polymerase I subunit A; minus strand). Cytogenetic location: 2p11.2.
Variant type: single nucleotide variant.
Coding change: c.1991A>G on transcript NM_015425.6 (MANE Select); coding-DNA position 1991, A replaced by G.
Protein change: p.Lys664Arg; replaces lysine 664 with arginine.
Molecular consequence: missense variant.
Genome position (GRCh38, 1-based): chr2:86,065,341, T>C on the plus strand (A>G on the coding strand, the complement: POLR1A is on the minus strand). VCF-style: chr2-86065341-T-C. GRCh37 (hg19) VCF-style: chr2-86292464-T-C.
Other names: c.1991A>G (NM_015425.3); short protein forms K664R.
Identifiers: ClinVar variation 1377150 (VCV001377150.8), dbSNP rs201364788, ClinGen allele CA1746198.
Genomic context (GRCh38, chr2:86,065,341, plus strand): 5'-CCTGTCCACAGCGGAAAGGGCTTCAGGATGGAAGGAGAAAGGAGCTTCACGCGCCCCACT[T>C]TGTCCGTGAGTCCTCGGTACACCAGCTCCATATAGTGCTCCCGGGTGAAAAAGCAACCCC-3'
Protein context (NP_056240.2, residues 654-674): MELVYRGLTD[Lys664Arg]VGRVKLLSPS

ClinVar aggregate classification (germline): Conflicting classifications of pathogenicity. Review status: criteria provided, conflicting classifications (1 of 4 stars). 3 submissions from 3 submitters: Uncertain significance (2); Likely benign (1). Last evaluated 2025-11-10.

Conditions:
Inborn genetic diseases. Identifiers: MedGen C0950123, MeSH D030342.

Allele frequency attached by ClinVar (database versions not stated): ESP Exome Variant Server 0.00008; gnomAD 0.00009; TOPMed 0.00011; gnomAD exomes 0.00015 and 0.00022; ExAC 0.00028.
gnomAD v4.1: 244 of 1,614,118 alleles (0.015%); highest among the groups gnomAD compares: Middle Eastern, 0.066%; 2 homozygotes.

Submissions (3):

Labcorp Genetics (formerly Invitae), Labcorp
Classification: Uncertain significance. Last evaluated: 2025-11-10. Review status: criteria provided, single submitter. Criteria: Invitae Variant Classification Sherloc (09022015). Collection method: clinical testing. Allele origin: germline.
Comment: This sequence change replaces lysine, which is basic and polar, with arginine, which is basic and polar, at codon 664 of the POLR1A protein (p.Lys664Arg). This variant is present in population databases (rs201364788, gnomAD 0.03%). This variant has not been reported in the literature in individuals affected with POLR1A-related conditions. ClinVar contains an entry for this variant (Variation ID: 1377150). Invitae Evidence Modeling of protein sequence and biophysical properties (such as structural, functional, and spatial information, amino acid conservation, physicochemical variation, residue mobility, and thermodynamic stability) indicates that this missense variant is not expected to disrupt POLR1A protein function with a negative predictive value of 80%. In summary, the available evidence is currently insufficient to determine the role of this variant in disease. Therefore, it has been classified as a Variant of Uncertain Significance.

Blueprint Genetics
Classification: Likely benign. Last evaluated: 2024-11-13. Review status: criteria provided, single submitter. Criteria: ACMG Guidelines, 2015. Collection method: clinical testing. Allele origin: germline.

Ambry Genetics
Classification: Uncertain significance for Inborn genetic diseases. Last evaluated: 2024-08-14. Review status: criteria provided, single submitter. Criteria: Ambry Variant Classification Scheme 2023. Collection method: clinical testing. Allele origin: germline.